The following is an entry in ClinVar:

NM_001003694.2(BRPF1):c.2072dup (p.Tyr691Ter)

Gene: BRPF1 (bromodomain and PHD finger containing 1; plus strand). Cytogenetic location: 3p25.3.
Variant type: Duplication.
Coding change: c.2072dup on transcript NM_001003694.2 (MANE Select); coding-DNA position 2072, one base duplicated (A; older notation c.2072dupA).
Protein change: p.Tyr691Ter; replaces tyrosine 691 with a stop codon.
Molecular consequence: nonsense. On other transcripts: non-coding transcript variant (1).
Genome position (GRCh38, 1-based): chr3:9,743,014, A duplicated. VCF-style (leftmost placement, unchanged base first): chr3-9743013-T-TA. GRCh37 (hg19) VCF-style: chr3-9784697-T-TA.
Other names: c.2054dup, p.Tyr685Ter (NM_001319049.2, NM_001319050.2, NM_004634.3); c.2072dup, p.Tyr691Ter (NM_001410704.1); short protein forms Y685*, Y691*.
Identifiers: ClinVar variation 3135110 (VCV003135110.1), dbSNP rs2471496829, ClinGen allele CA2825001277.

ClinVar aggregate classification (germline): Pathogenic (1 of 4 stars; one submission).

Conditions:
Inborn genetic diseases. Identifiers: MedGen C0950123, MeSH D030342.

Submission:

Ambry Genetics
Classification: Pathogenic for Inborn genetic diseases. Last evaluated: 2024-02-08. Review status: criteria provided, single submitter. Criteria: Ambry Variant Classification Scheme 2023. Collection method: clinical testing. Allele origin: germline.
Comment: The c.2072dupA (p.Y691*) alteration, located in exon 7 (coding exon 6) of the BRPF1 gene, consists of a duplication of A at nucleotide position 2072. This changes the amino acid from a tyrosine (Y) a stop codon at position 691. This alteration is expected to result in loss of function by premature protein truncation or nonsense-mediated mRNA decay. This variant was not reported in population-based cohorts in the Genome Aggregation Database (gnomAD). Based on the available evidence, this alteration is classified as pathogenic.